The following is an entry in ClinVar:

ClinVar aggregate classification (germline): Uncertain significance (1 of 4 stars; one submission).

Allele frequency attached by ClinVar (database versions not stated): gnomAD exomes 0.00001; ExAC 0.00002.

Submission:

Labcorp Genetics (formerly Invitae), Labcorp
Classification: Uncertain significance. Last evaluated: 2023-01-22. Review status: criteria provided, single submitter. Criteria: Invitae Variant Classification Sherloc (09022015). Collection method: clinical testing. Allele origin: germline.
Comment: This sequence change replaces serine, which is neutral and polar, with arginine, which is basic and polar, at codon 1774 of the SON protein (p.Ser1774Arg). This variant is present in population databases (rs761467823, gnomAD 0.03%). This variant has not been reported in the literature in individuals affected with SON-related conditions. Algorithms developed to predict the effect of missense changes on protein structure and function are either unavailable or do not agree on the potential impact of this missense change (SIFT: "Deleterious"; PolyPhen-2: "Possibly Damaging"; Align-GVGD: "Class C0"). In summary, the available evidence is currently insufficient to determine the role of this variant in disease. Therefore, it has been classified as a Variant of Uncertain Significance.

NM_138927.4(SON):c.5320A>C (p.Ser1774Arg)

Gene: SON (SON DNA and RNA binding protein; plus strand). Cytogenetic location: 21q22.11.
Variant type: single nucleotide variant.
Coding change: c.5320A>C on transcript NM_138927.4 (MANE Select); coding-DNA position 5320, A replaced by C.
Protein change: p.Ser1774Arg; replaces serine 1774 with arginine.
Molecular consequence: missense variant. On other transcripts: non-coding transcript variant (1), intron variant (1).
Genome position (GRCh38, 1-based): chr21:33,554,551, A>C. VCF-style: chr21-33554551-A-C. GRCh37 (hg19) VCF-style: chr21-34926857-A-C.
Other names: c.5320A>C, p.Ser1774Arg (NM_001291411.2, NM_001412133.1, NM_032195.3 and 2 more transcripts); c.245-2605A>C (NM_001291412.3); short protein forms S1774R.
Identifiers: ClinVar variation 2875093 (VCV002875093.3), dbSNP rs761467823, ClinGen allele CA10009722.